The following is an entry in ClinVar:

ClinVar aggregate classification (germline): Likely benign. Review status: criteria provided, multiple submitters, no conflicts (2 of 4 stars). 3 submissions from 3 submitters: Likely benign (3). Last evaluated 2025-04-15.

Conditions:
Cardiovascular phenotype. Identifiers: MedGen CN230736.
X-linked Emery-Dreifuss muscular dystrophy. Also called: Muscular dystrophy, tardive Emery-Dreifuss type, with contractures. Identifiers: Orphanet 261, Orphanet 98863, MedGen C0751337, MONDO:0010680.

Submissions (3):

Mayo Clinic Laboratories, Mayo Clinic
Classification: Likely benign. Last evaluated: 2025-04-15. Review status: criteria provided, single submitter. Criteria: ACMG Guidelines, 2015. Collection method: clinical testing. Allele origin: germline. Observed: 1 variant allele.
Comment: BP4, BP7, PM2_supporting

Ambry Genetics
Classification: Likely benign for Cardiovascular phenotype. Last evaluated: 2025-04-12. Review status: criteria provided, single submitter. Criteria: Ambry Variant Classification Scheme 2023. Collection method: clinical testing. Allele origin: germline.

Labcorp Genetics (formerly Invitae), Labcorp
Classification: Likely benign for X-linked Emery-Dreifuss muscular dystrophy. Last evaluated: 2024-12-15. Review status: criteria provided, single submitter. Criteria: Invitae Variant Classification Sherloc (09022015). Collection method: clinical testing. Allele origin: germline.

NM_000117.3(EMD):c.69C>T (p.His23=)

Gene: EMD (emerin; plus strand). Cytogenetic location: Xq28.
Variant type: single nucleotide variant.
Coding change: c.69C>T on transcript NM_000117.3 (MANE Select); coding-DNA position 69, C replaced by T.
Protein change: p.His23=; no amino-acid change (histidine 23 retained).
Molecular consequence: synonymous variant.
Genome position (GRCh38, 1-based): chrX:154,379,553, C>T. VCF-style: chrX-154379553-C-T. GRCh37 (hg19) VCF-style: chrX-153607913-C-T.
Other names: p.His23=.
Identifiers: ClinVar variation 3626360 (VCV003626360.4).